The following is an entry in ClinVar:

NM_000179.3(MSH6):c.1882dup (p.Trp628fs)

Gene: MSH6 (mutS homolog 6; plus strand). Cytogenetic location: 2p16.3.
Variant type: Duplication.
Coding change: c.1882dup on transcript NM_000179.3 (MANE Select); coding-DNA position 1882, one base duplicated (T; older notation c.1882dupT).
Protein change: p.Trp628fs; shifts the reading frame from tryptophan 628.
Molecular consequence: frameshift variant.
Genome position (GRCh38, 1-based): chr2:47,799,865, T duplicated; the last of 4 consecutive T bases (chr2:47,799,862-47,799,865); duplicating any one gives the same sequence. VCF-style (leftmost placement, unchanged base first): chr2-47799861-G-GT. GRCh37 (hg19) VCF-style: chr2-48027000-G-GT.
Other names: c.1492dup, p.Trp498fs (NM_001281492.2); c.976dup, p.Trp326fs (NM_001281493.2, NM_001281494.2); c.1978dup, p.Trp660Leufs (NM_001406795.1, NM_001406802.1); c.1882dup, p.Trp628Leufs (NM_001406796.1, NM_001406798.1, NM_001406800.1 and 3 more transcripts); c.1585dup, p.Trp529Leufs (NM_001406797.1, NM_001406801.1, NM_001406805.1 and 10 more transcripts); c.1357dup, p.Trp453Leufs (NM_001406799.1, NM_001406806.1, NM_001406807.1); c.1804dup, p.Trp602Leufs (NM_001406804.1); c.976dup, p.Trp326Leufs (NM_001406811.1, NM_001406812.1, NM_001406814.1 and 4 more transcripts); and 3 more; short protein forms W498fs, W628fs, W326fs.
Identifiers: ClinVar variation 1781917 (VCV001781917.2), dbSNP rs2530635872, ClinGen allele CA2580067721.

ClinVar aggregate classification (germline): Pathogenic (1 of 4 stars; one submission).

Conditions:
Hereditary cancer-predisposing syndrome. Also called: Neoplastic Syndromes, Hereditary; Tumor predisposition; Hereditary Cancer Syndrome; Hereditary neoplastic syndrome. Identifiers: Orphanet 140162, MedGen C0027672, MeSH D009386, MONDO:0015356.

Submission:

Ambry Genetics
Classification: Pathogenic for Hereditary cancer-predisposing syndrome. Last evaluated: 2020-01-02. Review status: criteria provided, single submitter. Criteria: Ambry Variant Classification Scheme 2023. Collection method: clinical testing. Allele origin: germline.
Comment: The c.1882dupT pathogenic mutation, located in coding exon 4 of the MSH6 gene, results from a duplication of T at nucleotide position 1882, causing a translational frameshift with a predicted alternate stop codon (p.W628Lfs*12). This alteration is expected to result in loss of function by premature protein truncation or nonsense-mediated mRNA decay. As such, this alteration is interpreted as a disease-causing mutation.